The following is an entry in ClinVar:

NM_153252.5(BRWD3):c.2864C>G (p.Ala955Gly)

Gene: BRWD3 (bromodomain and WD repeat domain containing 3; minus strand). Cytogenetic location: Xq21.1.
Variant type: single nucleotide variant.
Coding change: c.2864C>G on transcript NM_153252.5 (MANE Select); coding-DNA position 2864, C replaced by G.
Protein change: p.Ala955Gly; replaces alanine 955 with glycine.
Molecular consequence: missense variant.
Genome position (GRCh38, 1-based): chrX:80,700,036, G>C on the plus strand (C>G on the coding strand, the complement: BRWD3 is on the minus strand). VCF-style: chrX-80700036-G-C. GRCh37 (hg19) VCF-style: chrX-79955535-G-C.
Other names: short protein forms A955G.
Identifiers: ClinVar variation 2498284 (VCV002498284.2), dbSNP rs2520258929, ClinGen allele CA413624214.

ClinVar aggregate classification (germline): Pathogenic (0 of 4 stars; one submission).

Conditions:
Intellectual developmental disorder, X-linked 93. Also called: MENTAL RETARDATION, X-LINKED, WITH MACROCEPHALY; Intellectual disability, X-linked 93. Identifiers: MedGen C1970841, MONDO:0010393, OMIM 300659.

Submission:

Payam Genetics Center, General Welfare Department of North Khorasan Province
Classification: Pathogenic for Intellectual developmental disorder, X-linked 93. Last evaluated: 2023-03-01. Review status: no assertion criteria provided. Collection method: clinical testing. Allele origin: germline. Affected: yes. Observed: 1 variant allele.
Comment: The BRWD3 c.2864C>G mutation (p.Phe955Gly) is a missense mutation and its result is a dysfunctional protein, predicted lead to X-linked intellectual disability disease. This variant is not present in population databases (ExAC no frequency) and was not found in 1000G, Genom AD exome, genome and Iranom. This variant has not been reported in the literature in individuals affected with BRWD3-related conditions .